The following is an entry in ClinVar:

ClinVar aggregate classification (germline): Uncertain significance (1 of 4 stars; one submission).

Conditions:
Breast-ovarian cancer, familial, susceptibility to, 4. Identifiers: Orphanet 145, MedGen C3280345, MONDO:0013669, OMIM 614291.

Allele frequency attached by ClinVar (database versions not stated): gnomAD exomes below 0.00001; ExAC 0.00001.
gnomAD v4.1: 1 of 1,614,178 alleles (0.000062%); highest among the groups gnomAD compares: South Asian, 0.0011%; no homozygotes.

Submission:

Labcorp Genetics (formerly Invitae), Labcorp
Classification: Uncertain significance for Breast-ovarian cancer, familial, susceptibility to, 4. Last evaluated: 2022-10-11. Review status: criteria provided, single submitter. Criteria: Invitae Variant Classification Sherloc (09022015). Collection method: clinical testing. Allele origin: germline.
Comment: In summary, the available evidence is currently insufficient to determine the role of this variant in disease. Therefore, it has been classified as a Variant of Uncertain Significance. Advanced modeling of protein sequence and biophysical properties (such as structural, functional, and spatial information, amino acid conservation, physicochemical variation, residue mobility, and thermodynamic stability) performed at Invitae indicates that this missense variant is not expected to disrupt RAD51D protein function. This variant has not been reported in the literature in individuals affected with RAD51D-related conditions. This variant is not present in population databases (gnomAD no frequency). This sequence change replaces alanine, which is neutral and non-polar, with valine, which is neutral and non-polar, at codon 143 of the RAD51D protein (p.Ala143Val).

NM_002878.4(RAD51D):c.428C>T (p.Ala143Val)

Genes: RAD51D (RAD51 paralog D; minus strand), RAD51L3-RFFL (RAD51L3-RFFL readthrough; minus strand). Cytogenetic location: 17q12.
Variant type: single nucleotide variant.
Coding change: c.428C>T on transcript NM_002878.4 (MANE Select); coding-DNA position 428, C replaced by T.
Protein change: p.Ala143Val; replaces alanine 143 with valine.
Molecular consequence: missense variant. On other transcripts: non-coding transcript variant (1), intron variant (1).
Genome position (GRCh38, 1-based): chr17:35,107,040, G>A on the plus strand (C>T on the coding strand, the complement: RAD51D is on the minus strand). VCF-style: chr17-35107040-G-A. GRCh37 (hg19) VCF-style: chr17-33434059-G-A.
Other names: c.488C>T, p.Ala163Val (NM_001142571.2); c.145-559C>T (NM_133629.3); short protein forms A143V, A163V.
Identifiers: ClinVar variation 1721368 (VCV001721368.5), dbSNP rs752861378, ClinGen allele CA8499479.